The following is an entry in ClinVar:

ClinVar aggregate classification (germline): Uncertain significance. Review status: criteria provided, multiple submitters, no conflicts (2 of 4 stars). 4 submissions from 4 submitters: Uncertain significance (2). 2 of the submissions do not count toward it. Last evaluated 2025-11-28.

Conditions:
PROKR2-related disorder. Also called: PROKR2-related condition.
Hypogonadotropic hypogonadism 3 with or without anosmia (HH3). Also called: PROKR2-Related GnRH Deficiency (Kallmann Syndrome 3); HYPOGONADOTROPIC HYPOGONADISM 3 WITH ANOSMIA. Identifiers: Orphanet 478, MedGen C3550478, MONDO:0009482, OMIM 244200.

Allele frequency attached by ClinVar (database versions not stated): gnomAD 0.00001 and 0.00002; ExAC 0.00003; gnomAD exomes 0.00003; TOPMed 0.00003; ESP Exome Variant Server 0.00015; 1000 Genomes Project 30x 0.00016; 1000 Genomes Project 0.00020.
gnomAD v4.1: 46 of 1,614,164 alleles (0.0028%); highest among the groups gnomAD compares: East Asian, 0.038%; no homozygotes.

Submissions (4):

Women's Health and Genetics/Laboratory Corporation of America, LabCorp
Classification: Uncertain significance. Last evaluated: 2025-11-28. Review status: criteria provided, single submitter. Criteria: LabCorp Variant Classification Summary - May 2015. Collection method: clinical testing. Allele origin: germline.
Comment: Variant summary: PROKR2 c.343G>A (p.Val115Met) results in a conservative amino acid change in the encoded protein sequence. Algorithms developed to predict the effect of missense changes on protein structure and function are either unavailable or do not agree on the potential impact of this missense change. The variant allele was found at a frequency of 3.2e-05 in 251458 control chromosomes (gnomAD). c.343G>A has been observed in an individual affected with Kallmann Syndrome 3 who also had a missense variant in PROK2 (Cole_2008, Miraoui_2013), as well as a patient with another PROKR2 variant (Wang_2023). These reports do not provide unequivocal conclusions about association of the variant with Kallmann Syndrome 3. Publications report experimental evidence evaluating an impact on protein function. The most pronounced variant effect results in 10%-<30% of normal activity when the variant protein is expressed in isolation, although co-expression with the wild type protein partially rescues this effect (Cole_2008, Cox_2018). The following publications have been ascertained in the context of this evaluation (PMID: 18559922, 23643382, 29161432). ClinVar contains an entry for this variant (Variation ID: 156563). Based on the evidence outlined above, the variant was classified as VUS-possibly pathogenic.

Fulgent Genetics
Classification: Uncertain significance for Hypogonadotropic hypogonadism 3 with or without anosmia. Last evaluated: 2024-05-11. Review status: criteria provided, single submitter. Criteria: ACMG Guidelines, 2015. Collection method: clinical testing. Allele origin: germline.

PreventionGenetics, part of Exact Sciences
Classification: Uncertain significance for PROKR2-related condition. Last evaluated: 2024-02-29. Review status: no assertion criteria provided. Collection method: clinical testing. Allele origin: germline. Not counted in ClinVar's aggregate classification.
Comment: The PROKR2 c.343G>A variant is predicted to result in the amino acid substitution p.Val115Met. This variant has been reported in the heterozygous state along with a PROK2 variant in individuals with Kallmann syndrome (Cole et al. 2008. PubMed ID: 18559922; Table S3, Miraoui et al. 2013. PubMed ID: 23643382). Functional studies revealed that this variant exhibits loss of function in three signaling assays when tested alone, however, in at least one signaling assay it could be rescued by WT co-transfection, which is inconsistent with a deleterious effect in the heterozygous state (Table S2, Cox et al. 2018. PubMed ID: 29161432). This variant is reported in 0.023% of alleles in individuals of South Asian descent in gnomAD. Although we suspect this variant may be pathogenic, at this time, the clinical significance of this variant is uncertain due to the absence of conclusive functional and genetic evidence.

OMIM
Classification: Pathogenic for HYPOGONADOTROPIC HYPOGONADISM 3 WITH ANOSMIA. Last evaluated: 2008-09-01. Review status: no assertion criteria provided. Collection method: literature only. Allele origin: germline. Not counted in ClinVar's aggregate classification.

Literature cited by the submitters: PubMed 29161432 (cited by Women's Health and Genetics/Laboratory Corporation of America, LabCorp); PubMed 24830383 (cited by Women's Health and Genetics/Laboratory Corporation of America, LabCorp); PubMed 36694982 (cited by Women's Health and Genetics/Laboratory Corporation of America, LabCorp); PubMed 23643382 (cited by Women's Health and Genetics/Laboratory Corporation of America, LabCorp); PubMed 18559922 (cited by Women's Health and Genetics/Laboratory Corporation of America, LabCorp and OMIM).

NM_144773.4(PROKR2):c.343G>A (p.Val115Met)

Gene: PROKR2 (prokineticin receptor 2; minus strand). Cytogenetic location: 20p12.3.
Variant type: single nucleotide variant.
Coding change: c.343G>A on transcript NM_144773.4 (MANE Select); coding-DNA position 343, G replaced by A.
Protein change: p.Val115Met; replaces valine 115 with methionine.
Molecular consequence: missense variant.
Genome position (GRCh38, 1-based): chr20:5,314,027, C>T on the plus strand (G>A on the coding strand, the complement: PROKR2 is on the minus strand). VCF-style: chr20-5314027-C-T. GRCh37 (hg19) VCF-style: chr20-5294673-C-T.
Other names: c.343G>A (NM_144773.3); short protein forms V115M.
Identifiers: ClinVar variation 156563 (VCV000156563.6), dbSNP rs138672528, ClinGen allele CA270916.